The following is an entry in ClinVar:

ClinVar aggregate classification (germline): Uncertain significance (1 of 4 stars; one submission).

Conditions:
CHARGE syndrome (CHARGE). Also called: Hittner Hirsch Kreh syndrome; CHARGE ASSOCIATION--COLOBOMA, HEART ANOMALY, CHOANAL ATRESIA, RETARDATION, GENITAL AND EAR ANOMALIES; Coloboma, heart anomaly, choanal atresia, retardation, genital and ear anomalies; CHARGE association; Hall-Hittner syndrome. Identifiers: Orphanet 138, MedGen C0265354, MONDO:0008965.

Allele frequency attached by ClinVar (database versions not stated): gnomAD exomes below 0.00001; TOPMed below 0.00001; ExAC 0.00001.
gnomAD v4.1: 2 of 1,612,988 alleles (0.00012%); highest among the groups gnomAD compares: Admixed American, 0.0017%; no homozygotes.

Submission:

Labcorp Genetics (formerly Invitae), Labcorp
Classification: Uncertain significance for CHARGE syndrome. Last evaluated: 2022-08-03. Review status: criteria provided, single submitter. Criteria: Invitae Variant Classification Sherloc (09022015). Collection method: clinical testing. Allele origin: germline.
Comment: This sequence change replaces tryptophan, which is neutral and slightly polar, with arginine, which is basic and polar, at codon 367 of the SEMA3E protein (p.Trp367Arg). This variant is present in population databases (rs766196746, gnomAD 0.003%). This variant has not been reported in the literature in individuals affected with SEMA3E-related conditions. Algorithms developed to predict the effect of missense changes on protein structure and function are either unavailable or do not agree on the potential impact of this missense change (SIFT: "Deleterious"; PolyPhen-2: "Probably Damaging"; Align-GVGD: "Class C0"). In summary, the available evidence is currently insufficient to determine the role of this variant in disease. Therefore, it has been classified as a Variant of Uncertain Significance.

NM_012431.3(SEMA3E):c.1099T>C (p.Trp367Arg)

Gene: SEMA3E (semaphorin 3E; minus strand). Cytogenetic location: 7q21.11.
Variant type: single nucleotide variant.
Coding change: c.1099T>C on transcript NM_012431.3 (MANE Select); coding-DNA position 1099, T replaced by C.
Protein change: p.Trp367Arg; replaces tryptophan 367 with arginine.
Molecular consequence: missense variant.
Genome position (GRCh38, 1-based): chr7:83,402,676, A>G on the plus strand (T>C on the coding strand, the complement: SEMA3E is on the minus strand). VCF-style: chr7-83402676-A-G. GRCh37 (hg19) VCF-style: chr7-83031992-A-G.
Other names: c.919T>C, p.Trp307Arg (NM_001178129.2); short protein forms W307R, W367R.
Identifiers: ClinVar variation 1901784 (VCV001901784.5), dbSNP rs766196746, ClinGen allele CA4322112.
Genomic context (GRCh38, chr7:83,402,676, plus strand): 5'-ATATAACTAAACTTACAGAACCAGGCCTTGGATAAGGGACTTTTCCTTCATAGACTGACC[A>G]GTGGTATTCAGGTCCTTCCTTATGTGCATATGGTCCGTTGAAGGCTGCCCGAATGCTAGA-3'
Protein context (NP_036563.1, residues 357-377): YAHKEGPEYH[Trp367Arg]SVYEGKVPYP